The following is an entry in ClinVar:

ClinVar aggregate classification (germline): Uncertain significance. Review status: criteria provided, multiple submitters, no conflicts (2 of 4 stars). 2 submissions from 2 submitters: Uncertain significance (2). Last evaluated 2024-07-31.

Conditions:
Inborn genetic diseases. Identifiers: MedGen C0950123, MeSH D030342.

Allele frequency attached by ClinVar (database versions not stated): gnomAD exomes 0.00001; gnomAD 0.00005; TOPMed 0.00005; 1000 Genomes Project 30x 0.00016; 1000 Genomes Project 0.00020.
gnomAD v4.1: 28 of 1,614,078 alleles (0.0017%); highest among the groups gnomAD compares: African/African-American, 0.016%; no homozygotes.

Submissions (2):

Ambry Genetics
Classification: Uncertain significance for Inborn genetic diseases. Last evaluated: 2024-07-31. Review status: criteria provided, single submitter. Criteria: Ambry Variant Classification Scheme 2023. Collection method: clinical testing. Allele origin: germline.

Labcorp Genetics (formerly Invitae), Labcorp
Classification: Uncertain significance. Last evaluated: 2022-03-28. Review status: criteria provided, single submitter. Criteria: Invitae Variant Classification Sherloc (09022015). Collection method: clinical testing. Allele origin: germline.
Comment: This sequence change replaces arginine, which is basic and polar, with histidine, which is basic and polar, at codon 1271 of the CDK5RAP2 protein (p.Arg1271His). This variant is present in population databases (rs371374073, gnomAD 0.02%). This variant has not been reported in the literature in individuals affected with CDK5RAP2-related conditions. Algorithms developed to predict the effect of missense changes on protein structure and function output the following: SIFT: "Tolerated"; PolyPhen-2: "Possibly Damaging"; Align-GVGD: "Class C0". The histidine amino acid residue is found in multiple mammalian species, which suggests that this missense change does not adversely affect protein function. In summary, the available evidence is currently insufficient to determine the role of this variant in disease. Therefore, it has been classified as a Variant of Uncertain Significance.

NM_018249.6(CDK5RAP2):c.3812G>A (p.Arg1271His)

Gene: CDK5RAP2 (CDK5 regulatory subunit associated protein 2; minus strand). Cytogenetic location: 9q33.2.
Variant type: single nucleotide variant.
Coding change: c.3812G>A on transcript NM_018249.6 (MANE Select); coding-DNA position 3812, G replaced by A.
Protein change: p.Arg1271His; replaces arginine 1271 with histidine.
Molecular consequence: missense variant. On other transcripts: non-coding transcript variant (5).
Genome position (GRCh38, 1-based): chr9:120,437,438, C>T on the plus strand (G>A on the coding strand, the complement: CDK5RAP2 is on the minus strand). VCF-style: chr9-120437438-C-T. GRCh37 (hg19) VCF-style: chr9-123199716-C-T.
Other names: c.3812G>A, p.Arg1271His (NM_001011649.3); c.3122G>A, p.Arg1041His (NM_001272039.2); c.3713G>A, p.Arg1238His (NM_001410992.1); c.3716G>A, p.Arg1239His (NM_001410993.1); c.3809G>A, p.Arg1270His (NM_001410994.1); c.3812G>A (NM_018249.4); short protein forms R1238H, R1239H, R1271H, R1041H, R1270H.
Identifiers: ClinVar variation 1928452 (VCV001928452.3), dbSNP rs371374073, ClinGen allele CA5213753.